The following is an entry in ClinVar:

ClinVar aggregate classification (germline): Benign (1 of 4 stars; one submission).

Conditions:
Familial adenomatous polyposis 1 (FAP1). Also called: POLYPOSIS, ADENOMATOUS INTESTINAL; FAMILIAL ADENOMATOUS POLYPOSIS 1, ATTENUATED. Identifiers: MedGen C2713442, MONDO:0021056, OMIM 175100. Disease mechanism: loss of function.

Submission:

Myriad Genetics, Inc.
Classification: Benign for Familial adenomatous polyposis 1. Last evaluated: 2024-02-23. Review status: criteria provided, single submitter. Criteria: Myriad Autosomal Dominant, Autosomal Recessive and X-Linked Classification Criteria (2023). Collection method: clinical testing. Allele origin: unknown.
Comment: This variant is considered benign. This variant is intronic and is not expected to impact mRNA splicing.

NM_000038.6(APC):c.532-18dup

Gene: APC (APC regulator of Wnt signaling pathway; plus strand). Cytogenetic location: 5q22.2.
Variant type: Duplication.
Coding change: c.532-18dup on transcript NM_000038.6 (MANE Select); 18 bases into the intron before coding-DNA position 532, one base duplicated (T; older notation c.532-18dupT).
Molecular consequence: intron variant.
Genome position (GRCh38, 1-based): chr5:112,780,772, T duplicated; the last of 6 consecutive T bases (chr5:112,780,767-112,780,772); duplicating any one gives the same sequence. VCF-style (leftmost placement, unchanged base first): chr5-112780766-C-CT. GRCh37 (hg19) VCF-style: chr5-112116463-C-CT.
Other names: c.-504-18dup (NM_001407470.1, NM_001407472.1, NM_001354906.2 and 1 more transcripts); c.532-18dup (NM_001407447.1, NM_001354895.2, NM_001407456.1 and 16 more transcripts); c.562-18dup (NM_001407446.1, NM_001354897.2, NM_001354902.2 and 1 more transcripts); c.355-18dup (NM_001407453.1, NM_001354900.2, NM_001354901.2 and 1 more transcripts); c.457-18dup (NM_001407451.1, NM_001354898.2, NM_001354904.2).
Identifiers: ClinVar variation 3148415 (VCV003148415.1), dbSNP rs2532484032, ClinGen allele CA2825001334.